The following is an entry in ClinVar:

ClinVar aggregate classification (germline): Uncertain significance. Review status: criteria provided, multiple submitters, no conflicts (2 of 4 stars). 6 submissions from 6 submitters: Uncertain significance (5). 1 of the submissions does not count toward it. Last evaluated 2026-02-10.

Conditions:
Immunodeficiency 104. Also called: SCID, AUTOSOMAL RECESSIVE, T CELL-NEGATIVE, B CELL-POSITIVE, NK CELL-POSITIVE; IMMUNODEFICIENCY 104, SEVERE COMBINED; Severe combined immunodeficiency, autosomal recessive, T cell-negative, B cell-positive, NK cell-positive; Severe Combined Immune Deficiency, Autosomal Recessive, TCell -Negative, B Cell-Positive, NK Cell-Positive, IL7R-Related. Identifiers: MedGen C5676890, MONDO:0012163, OMIM 608971.

Allele frequency attached by ClinVar (database versions not stated): gnomAD 0.00038 and 0.00036; TOPMed 0.00045; gnomAD exomes 0.00057 and 0.00032; ESP Exome Variant Server 0.00015; 1000 Genomes Project 0.00020; ExAC 0.00027; 1000 Genomes Project 30x 0.00031.
gnomAD v4.1: 867 of 1,604,044 alleles (0.054%); highest among the groups gnomAD compares: Non-Finnish European, 0.068%; no homozygotes.

Submissions (6):

Women's Health and Genetics/Laboratory Corporation of America, LabCorp
Classification: Uncertain significance. Last evaluated: 2026-02-10. Review status: criteria provided, single submitter. Criteria: LabCorp Variant Classification Summary - May 2015. Collection method: clinical testing. Allele origin: germline.
Comment: Variant summary: IL7R c.1357T>C (p.Ser453Pro) results in a non-conservative amino acid change in the encoded protein sequence. Algorithms developed to predict the effect of missense changes on protein structure and function are either unavailable or do not agree on the potential impact of this missense change. The variant allele was found at a frequency of 0.00032 in 241894 control chromosomes. This frequency is not significantly higher than estimated for disease-causing variants in IL7R, allowing no conclusion about variant significance. c.1357T>C has been observed in an individual affected with extranodal marginal zone lymphoma of MALT, but without strong evidence of causality (Allain_2022). This report does not provide unequivocal conclusions about association of the variant with Immunodeficiency 104. To our knowledge, no experimental evidence demonstrating an impact on protein function has been reported. The following publication has been ascertained in the context of this evaluation (PMID: 36155879). ClinVar contains an entry for this variant (Variation ID: 134540). Based on the evidence outlined above, the variant was classified as uncertain significance.

GeneDx
Classification: Uncertain significance. Last evaluated: 2025-01-21. Review status: criteria provided, single submitter. Criteria: GeneDx Variant Classification Process June 2021. Collection method: clinical testing. Allele origin: germline. Affected: yes.
Comment: In silico analysis indicates that this missense variant does not alter protein structure/function; Has not been previously published as pathogenic or benign to our knowledge

Blueprint Genetics
Classification: Uncertain significance. Last evaluated: 2024-10-22. Review status: criteria provided, single submitter. Criteria: ACMG Guidelines, 2015. Collection method: clinical testing. Allele origin: germline.

Labcorp Genetics (formerly Invitae), Labcorp
Classification: Uncertain significance for Immunodeficiency 104. Last evaluated: 2022-10-13. Review status: criteria provided, single submitter. Criteria: Invitae Variant Classification Sherloc (09022015). Collection method: clinical testing. Allele origin: germline.
Comment: This sequence change replaces serine, which is neutral and polar, with proline, which is neutral and non-polar, at codon 453 of the IL7R protein (p.Ser453Pro). This variant is present in population databases (rs141919625, gnomAD 0.05%). This variant has not been reported in the literature in individuals affected with IL7R-related conditions. ClinVar contains an entry for this variant (Variation ID: 134540). Advanced modeling of protein sequence and biophysical properties (such as structural, functional, and spatial information, amino acid conservation, physicochemical variation, residue mobility, and thermodynamic stability) performed at Invitae indicates that this missense variant is expected to disrupt IL7R protein function. In summary, the available evidence is currently insufficient to determine the role of this variant in disease. Therefore, it has been classified as a Variant of Uncertain Significance.

Fulgent Genetics
Classification: Uncertain significance for Immunodeficiency 104. Last evaluated: 2018-10-31. Review status: criteria provided, single submitter. Criteria: ACMG Guidelines, 2015. Collection method: clinical testing. Allele origin: unknown.

ITMI
No classification provided. Condition: AllHighlyPenetrant. Last evaluated: 2013-09-19. Review status: no classification provided. Collection method: reference population. Allele origin: germline. Not counted in ClinVar's aggregate classification.
Comment: Please see associated publication for description of ethnicities

Literature cited by the submitters: PubMed 36155879 (cited by Women's Health and Genetics/Laboratory Corporation of America, LabCorp); PubMed 24728327 (cited by ITMI).

NM_002185.5(IL7R):c.1357T>C (p.Ser453Pro)

Gene: IL7R (interleukin 7 receptor; plus strand). Cytogenetic location: 5p13.2.
Variant type: single nucleotide variant.
Coding change: c.1357T>C on transcript NM_002185.5 (MANE Select); coding-DNA position 1357, T replaced by C.
Protein change: p.Ser453Pro; replaces serine 453 with proline.
Molecular consequence: missense variant. On other transcripts: non-coding transcript variant (1).
Genome position (GRCh38, 1-based): chr5:35,876,463, T>C. VCF-style: chr5-35876463-T-C. GRCh37 (hg19) VCF-style: chr5-35876565-T-C.
Other names: c.1357T>C (NM_002185.2); short protein forms S453P.
Identifiers: ClinVar variation 134540 (VCV000134540.11), dbSNP rs141919625, ClinGen allele CA160135.